The following is an entry in ClinVar:

ClinVar aggregate classification (germline): Uncertain significance (1 of 4 stars; one submission).

Conditions:
Early-infantile DEE. Also called: Early infantile epileptic encephalopathy; Ohtahara syndrome; Early infantile epileptic encephalopathy with suppression bursts. Identifiers: Orphanet 1934, MedGen C0393706, MONDO:0800491.

Allele frequency attached by ClinVar (database versions not stated): gnomAD below 0.00001 and 0.00001.
gnomAD v4.1: 1 of 314,504 alleles (0.00032%); highest among the groups gnomAD compares: South Asian, 0.014%; no homozygotes.

Submission:

Labcorp Genetics (formerly Invitae), Labcorp
Classification: Uncertain significance for Early-infantile DEE. Last evaluated: 2018-08-01. Review status: criteria provided, single submitter. Criteria: Invitae Variant Classification Sherloc (09022015). Collection method: clinical testing. Allele origin: germline.
Comment: This sequence change replaces glycine with alanine at codon 24 of the CACNA2D2 protein (p.Gly24Ala). The glycine residue is weakly conserved and there is a small physicochemical difference between glycine and alanine. While this variant is not present in population databases, the frequency information is unreliable, as metrics indicate poor data quality at this position in the ExAC database. This variant has not been reported in the literature in individuals with CACNA2D2-related disease. In summary, the available evidence is currently insufficient to determine the role of this variant in disease. Therefore, it has been classified as a Variant of Uncertain Significance.

NM_006030.4(CACNA2D2):c.71G>C (p.Gly24Ala)

Gene: CACNA2D2 (calcium voltage-gated channel auxiliary subunit alpha2delta 2; minus strand). Cytogenetic location: 3p21.31.
Variant type: single nucleotide variant.
Coding change: c.71G>C on transcript NM_006030.4 (MANE Select); coding-DNA position 71, G replaced by C.
Protein change: p.Gly24Ala; replaces glycine 24 with alanine.
Molecular consequence: missense variant. On other transcripts: intron variant (1).
Genome position (GRCh38, 1-based): chr3:50,503,353, C>G on the plus strand (G>C on the coding strand, the complement: CACNA2D2 is on the minus strand). VCF-style: chr3-50503353-C-G. GRCh37 (hg19) VCF-style: chr3-50540784-C-G.
Other names: c.71G>C, p.Gly24Ala (NM_001005505.3, NM_001174051.3); c.-2+716G>C (NM_001291101.1); short protein forms G24A.
Identifiers: ClinVar variation 658012 (VCV000658012.6), dbSNP rs1431993863, ClinGen allele CA353000431.